The following is an entry in ClinVar:

NM_000077.5(CDKN2A):c.419_425del (p.Ser140fs)

Gene: CDKN2A (cyclin dependent kinase inhibitor 2A; minus strand). Cytogenetic location: 9p21.3.
Variant type: Deletion.
Coding change: c.419_425del on transcript NM_000077.5; coding-DNA positions 419 to 425, 7 bases deleted (GTAACCA; older notation c.419_425delGTAACCA).
Protein change: p.Ser140fs; shifts the reading frame from serine 140.
Molecular consequence: frameshift variant (on NM_000077.4). On other transcripts: 3 prime UTR variant (2).
Genome position (GRCh38, 1-based): chr9:21,970,934-21,970,940, TGGTTAC deleted on the plus strand (GTAACCA on the coding strand, the reverse complement: CDKN2A is on the minus strand); deleting any 7 consecutive bases within chr9:21,970,934-21,970,942 gives the same sequence; the c. name uses the placement nearest the transcript's 3' end. VCF-style (leftmost placement, unchanged base first): chr9-21970933-ATGGTTAC-A. GRCh37 (hg19) VCF-style: chr9-21970932-ATGGTTAC-A.
Other names: c.419_425delGTAACCA (NM_000077.4); c.417_423delCAGTAAC, p.Ser140Metfs (NM_000077.6); c.419_425del, p.Ser140fs (NM_001195132.2); c.266_272del, p.Ser89fs (NM_001363763.2); c.*63_*69del (NM_058195.4); c.*342_*348del (NM_058197.5); short protein forms S89fs, S140fs.
Identifiers: ClinVar variation 3830995 (VCV003830995.1).

ClinVar aggregate classification (germline): Uncertain significance (1 of 4 stars; one submission).

Conditions:
Hereditary cancer-predisposing syndrome. Also called: Tumor predisposition; Hereditary Cancer Syndrome; Hereditary neoplastic syndrome; Neoplastic Syndromes, Hereditary. Identifiers: Orphanet 140162, MedGen C0027672, MeSH D009386, MONDO:0015356.

Submission:

Ambry Genetics
Classification: Uncertain significance for Hereditary cancer-predisposing syndrome. Last evaluated: 2025-02-25. Review status: criteria provided, single submitter. Criteria: Ambry Variant Classification Scheme 2023. Collection method: clinical testing. Allele origin: germline.
Comment: The c.419_425delGTAACCA variant, located in coding exon 2 of the CDKN2A gene, results from a deletion of 7 nucleotides at nucleotide positions 419 to 425, causing a translational frameshift with a predicted alternate stop codon (p.S140Mfs*4). This alteration occurs at the 3' terminus of theCDKN2A gene, is not expected to trigger nonsense-mediated mRNAdecay, and impacts the last 10.8% of the protein. The exact functional effect of this alteration is unknown.Based on the available evidence, the clinical significance of this variant remains unclear.